The following is an entry in ClinVar:

NM_001270974.2(HYDIN):c.215del (p.Pro72fs)

Gene: HYDIN (HYDIN axonemal central pair apparatus protein; minus strand). Cytogenetic location: 16q22.2.
Variant type: Deletion.
Coding change: c.215del on transcript NM_001270974.2 (MANE Select); coding-DNA position 215, one base deleted (C; older notation c.215delC).
Protein change: p.Pro72fs; shifts the reading frame from proline 72.
Molecular consequence: frameshift variant.
Genome position (GRCh38, 1-based): chr16:71,184,911, G deleted on the plus strand (C on the coding strand, the reverse complement: HYDIN is on the minus strand); the first of 2 consecutive G bases (chr16:71,184,911-71,184,912); deleting either gives the same sequence. VCF-style (leftmost placement, unchanged base first): chr16-71184910-TG-T. GRCh37 (hg19) VCF-style: chr16-71218813-TG-T.
Other names: c.296del, p.Pro99fs (NM_001198542.1); c.266del, p.Pro89fs (NM_001198543.1); c.215del, p.Pro72fs (NM_017558.5); short protein forms P72fs, P89fs, P99fs.
Identifiers: ClinVar variation 2504703 (VCV002504703.1), dbSNP rs778840062, ClinGen allele CA8151653.

ClinVar aggregate classification (germline): Uncertain significance (1 of 4 stars; one submission).

Submission:

GeneDx
Classification: Uncertain significance. Last evaluated: 2022-12-09. Review status: criteria provided, single submitter. Criteria: GeneDx Variant Classification Process June 2021. Collection method: clinical testing. Allele origin: germline. Affected: yes.
Comment: Frameshift variant predicted to result in protein truncation or nonsense mediated decay in a gene for which loss of function is a known mechanism of disease; Has not been previously published as pathogenic or benign to our knowledge